The following is an entry in ClinVar:

NM_001267550.2(TTN):c.88954_88955del (p.Val29652fs)

Genes: TTN (titin; minus strand), TTN-AS1 (TTN antisense RNA 1; plus strand). Cytogenetic location: 2q31.2.
Variant type: Deletion.
Coding change: c.88954_88955del on transcript NM_001267550.2 (MANE Select); coding-DNA positions 88954 to 88955, 2 bases deleted (GT; older notation c.88954_88955delGT).
Protein change: p.Val29652fs; shifts the reading frame from valine 29652.
Molecular consequence: frameshift variant.
Genome position (GRCh38, 1-based): chr2:178,554,156-178,554,157, AC deleted on the plus strand (GT on the coding strand, the reverse complement: TTN is on the minus strand); deleting any 2 consecutive bases within chr2:178,554,156-178,554,158 gives the same sequence; the c. name uses the placement nearest the transcript's 3' end. VCF-style (leftmost placement, unchanged base first): chr2-178554155-AAC-A. GRCh37 (hg19) VCF-style: chr2-179418882-AAC-A.
Other names: c.84031_84032del, p.Val28011fs (NM_001256850.1); c.61759_61760del, p.Val20587fs (NM_003319.4); c.81250_81251del, p.Val27084fs (NM_133378.4); c.62134_62135del, p.Val20712fs (NM_133432.3); c.62335_62336del, p.Val20779fs (NM_133437.4); short protein forms V20712fs, V27084fs, V28011fs, V20587fs, V29652fs, V20779fs.
Identifiers: ClinVar variation 2003346 (VCV002003346.4), dbSNP rs2469357528, ClinGen allele CA2580064646.

ClinVar aggregate classification (germline): Likely pathogenic (1 of 4 stars; one submission).

Conditions:
Dilated cardiomyopathy 1G (CMD1G). Identifiers: Orphanet 154, MedGen C1858763, MONDO:0011400, OMIM 604145.
Autosomal recessive limb-girdle muscular dystrophy type 2J (LGMDR10). Also called: MUSCULAR DYSTROPHY, LIMB-GIRDLE, AUTOSOMAL RECESSIVE 10; Limb-girdle muscular dystrophy, type 2J. Identifiers: Orphanet 140922, MedGen C1837342, MONDO:0012127, OMIM 608807.

Submission:

Labcorp Genetics (formerly Invitae), Labcorp
Classification: Likely pathogenic for Dilated cardiomyopathy 1G; Autosomal recessive limb-girdle muscular dystrophy type 2J. Last evaluated: 2022-09-27. Review status: criteria provided, single submitter. Criteria: Invitae Variant Classification Sherloc (09022015). Collection method: clinical testing. Allele origin: germline.
Comment: While this is not anticipated to result in nonsense mediated decay, it is expected to create a truncated TTN protein. While this is not anticipated to result in nonsense mediated decay, it is expected to disrupt the last 6340 amino acid(s) of the TTN protein. This variant is not present in population databases (gnomAD no frequency). This variant has not been reported in the literature in individuals affected with TTN-related conditions. This variant is located in the A band of TTN (PMID: 25589632). Truncating variants in this region are significantly overrepresented in patients affected with dilated cardiomyopathy (PMID: 25589632). Truncating variants in this region have also been reported in individuals affected with autosomal recessive centronuclear myopathy (PMID: 23975875). In summary, the currently available evidence indicates that the variant is pathogenic, but additional data are needed to prove that conclusively. Therefore, this variant has been classified as Likely Pathogenic.

Literature cited by the submitters: PubMed 25589632; PubMed 23975875.